The following is an entry in ClinVar:

ClinVar aggregate classification (germline): Uncertain significance (1 of 4 stars; one submission).

Conditions:
Hyperaldosteronism, familial, type IV (HALD4). Also called: FH IV; ALDOSTERONISM, PRIMARY, AND HYPERTENSION. Identifiers: Orphanet 642671, MedGen C4310756, MONDO:0014875, OMIM 617027.
Idiopathic generalized epilepsy. Also called: Generalised epilepsy; EIG. Identifiers: MedGen C0270850, MONDO:0005579, OMIM 600669.

Submission:

Labcorp Genetics (formerly Invitae), Labcorp
Classification: Uncertain significance for Idiopathic generalized epilepsy; Hyperaldosteronism, familial, type IV. Last evaluated: 2024-04-22. Review status: criteria provided, single submitter. Criteria: Invitae Variant Classification Sherloc (09022015). Collection method: clinical testing. Allele origin: germline.
Comment: This variant occurs in a non-coding region of the CACNA1H gene. It does not change the encoded amino acid sequence of the CACNA1H protein. This variant is present in population databases (no rsID available, gnomAD 0.05%). This variant has not been reported in the literature in individuals affected with CACNA1H-related conditions. ClinVar contains an entry for this variant (Variation ID: 2198340). In summary, the available evidence is currently insufficient to determine the role of this variant in disease. Therefore, it has been classified as a Variant of Uncertain Significance.

NM_021098.3(CACNA1H):c.7047_*15dup (p.Ala2349_Ter(2354_?)(?))

Gene: CACNA1H (calcium voltage-gated channel subunit alpha1 H; plus strand). Cytogenetic location: 16p13.3.
Variant type: Duplication.
Molecular consequence: frameshift variant, no sequence alteration (on NM_021098.3).
Genome position: GRCh38: chr16:1,220,979-1,221,009. GRCh37 (hg19): chr16:1,270,979-1,271,009.
Other names: c.7029_*15dup, p.Ala2343_Ter(2348_?)(?) (NM_001005407.2); c.7047_*15dup, p.Ala2349_Ter(2354_?)(?) (NM_021098.3).
Identifiers: ClinVar variation 2198340 (VCV002198340.4), dbSNP rs1460458838, ClinGen allele CA620699514.